The following is an entry in ClinVar:

ClinVar aggregate classification (germline): Likely pathogenic. Review status: criteria provided, multiple submitters, no conflicts (2 of 4 stars). 7 submissions from 7 submitters: Likely pathogenic (6). 1 of the submissions does not count toward it. Last evaluated 2025-10-01.

Conditions:
Ovarian cancer. Also called: OVARIAN CANCER, SOMATIC. Identifiers: Orphanet 213500, MedGen C1140680, MONDO:0008170, OMIM 167000.
Familial gestational hyperthyroidism. Identifiers: Orphanet 99819, MedGen C1863959, MONDO:0011309, OMIM 603373.
Hypothyroidism due to TSH receptor mutations. Also called: Hypothyroidism, congenital, nongoitrous, 1; HYPOTHYROIDISM DUE TO UNRESPONSIVENESS TO THYROTROPIN; HYPOTHYROIDISM, CONGENITAL, DUE TO TSH RESISTANCE; HYPOTHYROIDISM, NONAUTOIMMUNE; THYROID-STIMULATING HORMONE, RESISTANCE TO; TSH RESISTANCE. Identifiers: Orphanet 90673, MedGen C3493776, MONDO:0010142, OMIM 275200.
TSHR-related disorder. Also called: TSHR-related condition; TSHR-related disorders.
Familial hyperthyroidism due to mutations in TSH receptor. Also called: TOXIC THYROID HYPERPLASIA, AUTOSOMAL DOMINANT; HYPERTHYROIDISM, CONGENITAL NONAUTOIMMUNE; HYPERTHYROIDISM, NONAUTOIMMUNE, AUTOSOMAL DOMINANT. Identifiers: Orphanet 424, MedGen C1836706, MONDO:0012203, OMIM 609152.

Allele frequency attached by ClinVar (database versions not stated): ExAC 0.00003; gnomAD 0.00003 and 0.00004; gnomAD exomes 0.00004; TOPMed 0.00004.

Submissions (7):

3billion
Classification: Likely pathogenic for Hypothyroidism due to TSH receptor mutations. Last evaluated: 2025-10-01. Review status: criteria provided, single submitter. Criteria: ACMG Guidelines, 2015. Collection method: clinical testing. Allele origin: germline. Affected: yes.
Comment: The variant is observed at an extremely low frequency in the gnomAD v4.1.0 dataset (total allele frequency: <0.001%). Predicted Consequence/Location: Missense variant In silico tool predictions suggest damaging effect of the variant on gene or gene product [REVEL: 0.70 (>=0.6, sensitivity 0.68 and specificity 0.92)]. The same nucleotide change resulting in the same amino acid change has been previously reported as pathogenic/likely pathogenic with strong evidence (ClinVar ID: VCV000314693 /PMID: 19158199 /3billion dataset). Therefore, this variant is classified as Likely pathogenic according to the recommendation of ACMG/AMP guideline.

Fulgent Genetics
Classification: Likely pathogenic for Hypothyroidism due to TSH receptor mutations; Familial gestational hyperthyroidism; Familial hyperthyroidism due to mutations in TSH receptor. Last evaluated: 2024-04-30. Review status: criteria provided, single submitter. Criteria: ACMG Guidelines, 2015. Collection method: clinical testing. Allele origin: germline.

Baylor Genetics
Classification: Likely pathogenic for Familial gestational hyperthyroidism. Last evaluated: 2024-03-26. Review status: criteria provided, single submitter. Criteria: ACMG Guidelines, 2015. Collection method: clinical testing. Allele origin: unknown.

GeneDx
Classification: Likely pathogenic. Last evaluated: 2016-01-13. Review status: criteria provided, single submitter. Criteria: GeneDx Variant Classification (06012015). Collection method: clinical testing. Allele origin: germline. Affected: yes.
Comment: The G132R variant in the TSHR gene has been reported previously in association with congenital hypothyroidism (Lee et al., 2011; Narumi et al., 2011). And, functional characterization of the G132R variant indicates a disruption in receptor function (Narumi et al., 2009). The G132R variant was not observed in approximately 6500 individuals of European and African American ancestry in the NHLBI Exome Sequencing Project; however, data from ethnically-matched control individuals were not available to assess for a population-specific benign variant. The G132R variant is a non-conservative amino acid substitution, which is likely to impact secondary protein structure as these residues differ in polarity, charge, size and/or other properties. This substitution occurs at a position that is conserved across species. In silico analysis is inconsistent in its predictions as to whether or not the variant is damaging to the protein structure/function. The G132R variant is a strong candidate for a pathogenic variant, however the possibility it may be a rare benign variant cannot be excluded.

Juno Genomics, Hangzhou Juno Genomics, Inc
Classification: Likely pathogenic for Hypothyroidism due to TSH receptor mutations. Review status: criteria provided, single submitter. Criteria: ACMG Guidelines, 2015. Collection method: clinical testing. Allele origin: germline.
Comment: Absent from controls (or at extremely low frequency if recessive) in Genome Aggregation Database.;Multiple lines of computational evidence support a deleterious effect on the gene or gene product.;For recessive disorders, detected in trans with a pathogenic variant.;Patient's phenotype or family history is highly specific for a disease with a single genetic etiology.

Rady Children's Institute for Genomic Medicine, Rady Children's Hospital San Diego
Classification: Likely pathogenic for TSHR-Related Disorders. Review status: criteria provided, single submitter. Criteria: ACMG Guidelines, 2015. Collection method: clinical testing. Allele origin: germline. Affected: yes.
Comment: This variant has been previously reported as a de novo compound heterozygous and homozygous change in patients with congenital nongoitrous hypothyroidism-1 (CHNG1) who exhibited increased levels of plasma TSH and low levels of thyroid hormone in infancy (PMID: 21707688, 19158199). Functional studies showed that the presence of the (p.Gly132Arg) variant resulted in reduced binding activity and impaired TSH-induced cAMP production (26% of wild type) without any significant reduction in expression level (PMID: 19158199). The c.394G>C (p.Gly132Arg) variant is present in the heterozygous state in the gnomAD population database at a frequency of 0.004% (12/280224) and is absent in the homozygous state, thus is presumed to be rare. Based on the available evidence, the c.394G>C (p.Gly132Arg) variant is classified as Likely Pathogenic.

Laboratory of Molecular Epidemiology of Birth Defects, West China Second University Hospital, Sichuan University
Classification: Benign for Ovarian cancer. Last evaluated: 2022-01-01. Review status: flagged submission. Criteria: ACMG Guidelines, 2015. Collection method: clinical testing. Allele origin: germline. Affected: yes. Not counted in ClinVar's aggregate classification.
ClinVar note: Reason: Outlier claim with insufficient supporting evidence

Literature cited by the submitters: PubMed 19158199 (cited by 3billion).

NM_000369.5(TSHR):c.394G>C (p.Gly132Arg)

Genes: TSHR (thyroid stimulating hormone receptor; plus strand), TSHR-AS1 (TSHR antisense RNA 1; minus strand). Cytogenetic location: 14q31.1.
Variant type: single nucleotide variant.
Coding change: c.394G>C on transcript NM_000369.5 (MANE Select); coding-DNA position 394, G replaced by C.
Protein change: p.Gly132Arg; replaces glycine 132 with arginine.
Molecular consequence: missense variant.
Genome position (GRCh38, 1-based): chr14:81,091,070, G>C. VCF-style: chr14-81091070-G-C. GRCh37 (hg19) VCF-style: chr14-81557414-G-C.
Other names: c.394G>C, p.Gly132Arg (NM_001018036.3, NM_001142626.3); short protein forms G132R.
Identifiers: ClinVar variation 314693 (VCV000314693.14), dbSNP rs760874290, ClinGen allele CA7294130.